The following is an entry in ClinVar:

ClinVar aggregate classification (germline): Uncertain significance (1 of 4 stars; one submission).

Conditions:
Hereditary cancer-predisposing syndrome. Also called: Tumor predisposition; Neoplastic Syndromes, Hereditary; Hereditary neoplastic syndrome; Hereditary Cancer Syndrome. Identifiers: Orphanet 140162, MedGen C0027672, MeSH D009386, MONDO:0015356.

Submission:

Ambry Genetics
Classification: Uncertain significance for Hereditary cancer-predisposing syndrome. Last evaluated: 2025-08-27. Review status: criteria provided, single submitter. Criteria: Ambry Variant Classification Scheme 2023. Collection method: clinical testing. Allele origin: germline.
Comment: The p.T352P variant (also known as c.1054A>C), located in coding exon 12 of the MUTYH gene, results from an A to C substitution at nucleotide position 1054. The threonine at codon 352 is replaced by proline, an amino acid with highly similar properties. This amino acid position is conserved. In addition, this alteration is predicted to be tolerated by in silico analysis. Based on the available evidence, the clinical significance of this variant remains unclear.

NM_001048174.2(MUTYH):c.970A>C (p.Thr324Pro)

Gene: MUTYH (mutY DNA glycosylase; minus strand). Cytogenetic location: 1p34.1.
Variant type: single nucleotide variant.
Coding change: c.970A>C on transcript NM_001048174.2 (MANE Select); coding-DNA position 970, A replaced by C.
Protein change: p.Thr324Pro; replaces threonine 324 with proline.
Molecular consequence: missense variant. On other transcripts: non-coding transcript variant (7).
Genome position (GRCh38, 1-based): chr1:45,331,793, T>G on the plus strand (A>C on the coding strand, the complement: MUTYH is on the minus strand). VCF-style: chr1-45331793-T-G. GRCh37 (hg19) VCF-style: chr1-45797465-T-G.
Other names: c.1012A>C, p.Thr338Pro (NM_001407083.1, NM_001407085.1); c.973A>C, p.Thr325Pro (NM_001407086.1, NM_001407078.1, NM_001407071.1 and 1 more transcripts); c.991A>C, p.Thr331Pro (NM_001407087.1); c.970A>C, p.Thr324Pro (NM_001407088.1, NM_001407089.1, NM_001407081.1 and 6 more transcripts); c.694A>C, p.Thr232Pro (NM_001407091.1, NM_001293192.2, NM_001293196.2); c.1045A>C, p.Thr349Pro (NM_012222.3); c.928A>C, p.Thr310Pro (NM_001407080.1); c.931A>C, p.Thr311Pro (NM_001407079.1); and 5 more; short protein forms T310P, T324P, T331P, T339P, T349P, T352P, T209P, T338P.
Identifiers: ClinVar variation 4112793 (VCV004112793.1).